The following is an entry in ClinVar:

NM_000021.4(PSEN1):c.79C>T (p.Arg27Cys)

Gene: PSEN1 (presenilin 1; plus strand). Cytogenetic location: 14q24.2.
Variant type: single nucleotide variant.
Coding change: c.79C>T on transcript NM_000021.4 (MANE Select); coding-DNA position 79, C replaced by T.
Protein change: p.Arg27Cys; replaces arginine 27 with cysteine.
Molecular consequence: missense variant. On other transcripts: intron variant (1).
Genome position (GRCh38, 1-based): chr14:73,148,098, C>T. VCF-style: chr14-73148098-C-T. GRCh37 (hg19) VCF-style: chr14-73614806-C-T.
Other names: c.75+4C>T (NM_007318.3); short protein forms R27C.
Identifiers: ClinVar variation 313945 (VCV000313945.13), dbSNP rs886050663, ClinGen allele CA10635145.
Genomic context (GRCh38, chr14:73,148,098, plus strand): 5'-CCGTTGTCCTACTTCCAGAATGCACAGATGTCTGAGGACAACCACCTGAGCAATACTGTA[C>T]GTAGCCAGGTACAGTGTCAGTCTCTGAAACTGCCTTTGCCAGACTGGATTCACTTATCAT-3'
Protein context (NP_000012.1, residues 17-37): SEDNHLSNTV[Arg27Cys]SQNDNRERQE

ClinVar aggregate classification (germline): Uncertain significance. Review status: criteria provided, multiple submitters, no conflicts (2 of 4 stars). 3 submissions from 2 submitters: Uncertain significance (3). Last evaluated 2020-02-24.

Conditions:
Pick disease. Also called: PICK DISEASE OF BRAIN; DEMENTIA WITH LOBAR ATROPHY AND NEURONAL CYTOPLASMIC INCLUSIONS; LOBAR ATROPHY OF BRAIN; Pick's disease; Pick Disease of the Brain. Identifiers: Orphanet 282, MedGen C0236642, MONDO:0008243, OMIM 172700.
Acne inversa, familial, 3 (ACNINV3). Identifiers: MedGen C3151038, MONDO:0013398, OMIM 613737.
Frontotemporal dementia (FTD1). Also called: FRONTOTEMPORAL DEMENTIA WITH PARKINSONISM; FRONTOTEMPORAL LOBE DEMENTIA; MULTIPLE SYSTEM TAUOPATHY WITH PRESENILE DEMENTIA; WILHELMSEN-LYNCH DISEASE; Frontotemporal lobe dementia (FLDEM); FRONTOTEMPORAL LOBAR DEGENERATION WITH TAU INCLUSIONS. Identifiers: Orphanet 282, MedGen C0338451, MONDO:0017276, OMIM 600274, HP:0002145.
Alzheimer disease 3 (AD3). Also called: ALZHEIMER DISEASE, FAMILIAL, 3. Identifiers: Orphanet 1020, MedGen C1843013, MONDO:0011913, OMIM 607822.
Dilated cardiomyopathy 1U. Identifiers: Orphanet 154, MedGen C3160720, MONDO:0013371, OMIM 613694.

Allele frequency attached by ClinVar (database versions not stated): gnomAD exomes below 0.00001 and 0.00001; gnomAD 0.00001 and 0.00002; TOPMed 0.00001.
gnomAD v4.1: 18 of 1,612,030 alleles (0.0011%); highest among the groups gnomAD compares: Middle Eastern, 0.017%; no homozygotes.

Submissions (3):

Labcorp Genetics (formerly Invitae), Labcorp
Classification: Uncertain significance for Alzheimer disease 3; Pick disease; Acne inversa, familial, 3; Frontotemporal dementia. Last evaluated: 2020-02-24. Review status: criteria provided, single submitter. Criteria: Invitae Variant Classification Sherloc (09022015). Collection method: clinical testing. Allele origin: germline.
Comment: In summary, the available evidence is currently insufficient to determine the role of this variant in disease. Therefore, it has been classified as a Variant of Uncertain Significance. Algorithms developed to predict the effect of missense changes on protein structure and function are either unavailable or do not agree on the potential impact of this missense change (SIFT: "Deleterious"; PolyPhen-2: "Benign"; Align-GVGD: "Class C0"). This variant has not been reported in the literature in individuals with PSEN1-related conditions. ClinVar contains an entry for this variant (Variation ID: 313945). This variant is not present in population databases (ExAC no frequency). This sequence change replaces arginine with cysteine at codon 27 of the PSEN1 protein (p.Arg27Cys). The arginine residue is weakly conserved and there is a large physicochemical difference between arginine and cysteine.

Illumina Laboratory Services, Illumina
Classification: Uncertain significance for Alzheimer disease 3. Last evaluated: 2018-01-12. Review status: criteria provided, single submitter. Criteria: ICSL Variant Classification Criteria 13 December 2019. Collection method: clinical testing. Allele origin: germline.

Illumina Laboratory Services, Illumina
Classification: Uncertain significance for Dilated cardiomyopathy 1U. Last evaluated: 2018-01-12. Review status: criteria provided, single submitter. Criteria: ICSL Variant Classification Criteria 13 December 2019. Collection method: clinical testing. Allele origin: germline.